The following is an entry in ClinVar:

NM_001378615.1(CC2D2A):c.1742G>C (p.Trp581Ser)

Genes: CC2D2A (coiled-coil and C2 domain containing 2A; plus strand), FBXL5 (F-box and leucine rich repeat protein 5; minus strand). Cytogenetic location: 4p15.32.
Variant type: single nucleotide variant.
Coding change: c.1742G>C on transcript NM_001378615.1 (MANE Select); coding-DNA position 1742, G replaced by C.
Protein change: p.Trp581Ser; replaces tryptophan 581 with serine.
Molecular consequence: missense variant.
Genome position (GRCh38, 1-based): chr4:15,537,054, G>C. VCF-style: chr4-15537054-G-C. GRCh37 (hg19) VCF-style: chr4-15538677-G-C.
Other names: c.1742G>C, p.Trp581Ser (NM_001080522.2); c.1595G>C, p.Trp532Ser (NM_001378617.1); short protein forms W532S, W581S.
Identifiers: ClinVar variation 1352900 (VCV001352900.8), dbSNP rs2109034111, ClinGen allele CA356411462.

ClinVar aggregate classification (germline): Uncertain significance (1 of 4 stars; one submission).

Conditions:
Joubert syndrome. Also called: JOUBERT-BOLTSHAUSER SYNDROME; Familial aplasia of the vermis. Identifiers: Orphanet 475, MedGen C5979921, MONDO:0018772.
Meckel-Gruber syndrome. Also called: DYSENCEPHALIA SPLANCHNOCYSTICA; GRUBER SYNDROME; Dysencephalia splachnocystica. Identifiers: Orphanet 564, MedGen C0265215, MONDO:0018921.

Allele frequency attached by ClinVar (database versions not stated): gnomAD exomes below 0.00001.
gnomAD v4.1: 1 of 1,613,422 alleles (0.000062%); highest among the groups gnomAD compares: South Asian, 0.0011%; no homozygotes.

Submission:

Labcorp Genetics (formerly Invitae), Labcorp
Classification: Uncertain significance for Joubert syndrome; Meckel-Gruber syndrome. Last evaluated: 2021-08-04. Review status: criteria provided, single submitter. Criteria: Invitae Variant Classification Sherloc (09022015). Collection method: clinical testing. Allele origin: germline.
Comment: In summary, the available evidence is currently insufficient to determine the role of this variant in disease. Therefore, it has been classified as a Variant of Uncertain Significance. Advanced modeling of protein sequence and biophysical properties (such as structural, functional, and spatial information, amino acid conservation, physicochemical variation, residue mobility, and thermodynamic stability) performed at Invitae indicates that this missense variant is expected to disrupt CC2D2A protein function. This variant has not been reported in the literature in individuals with CC2D2A-related conditions. This variant is not present in population databases (ExAC no frequency). This sequence change replaces tryptophan with serine at codon 581 of the CC2D2A protein (p.Trp581Ser). The tryptophan residue is highly conserved and there is a large physicochemical difference between tryptophan and serine.